The following is an entry in ClinVar:

NM_012073.5(CCT5):c.166+8del

Gene: CCT5 (chaperonin containing TCP1 subunit 5; plus strand). Cytogenetic location: 5p15.2.
Variant type: Deletion.
Coding change: c.166+8del on transcript NM_012073.5 (MANE Select); 8 bases into the intron after coding-DNA position 166, one base deleted (T; older notation c.166+8delT).
Molecular consequence: intron variant.
Genome position (GRCh38, 1-based): chr5:10,254,213, T deleted. VCF-style (leftmost placement, unchanged base first): chr5-10254212-GT-G. GRCh37 (hg19) VCF-style: chr5-10254324-GT-G.
Other names: c.166+8del (NM_012073.3, NM_001306154.2); c.166+8delT (NM_012073.4); c.103+8del (NM_001306153.1); c.52+8del (NM_001306156.2, NM_001306155.2).
Identifiers: ClinVar variation 695832 (VCV000695832.14), dbSNP rs773556943, ClinGen allele CA3197989.

ClinVar aggregate classification (germline): Conflicting classifications of pathogenicity. Review status: criteria provided, conflicting classifications (1 of 4 stars). 3 submissions from 3 submitters: Uncertain significance (1); Likely benign (1). 1 of the submissions does not count toward it. Last evaluated 2026-01-26.

Conditions:
Hereditary sensory and autonomic neuropathy with spastic paraplegia (HSNSP). Identifiers: Orphanet 139578, MedGen C1850395, MONDO:0009748, OMIM 256840.
CCT5-related disorder. Also called: CCT5-related condition.

Allele frequency attached by ClinVar (database versions not stated): gnomAD exomes 0.00005 and 0.00019; ExAC 0.00021; gnomAD 0.00062 and 0.00069; TOPMed 0.00067; ESP Exome Variant Server 0.00104.

Submissions (3):

Labcorp Genetics (formerly Invitae), Labcorp
Classification: Likely benign for Hereditary sensory and autonomic neuropathy with spastic paraplegia. Last evaluated: 2026-01-26. Review status: criteria provided, single submitter. Criteria: Invitae Variant Classification Sherloc (09022015). Collection method: clinical testing. Allele origin: germline.

Baylor Genetics
Classification: Uncertain significance for Hereditary sensory and autonomic neuropathy with spastic paraplegia. Last evaluated: 2018-11-05. Review status: criteria provided, single submitter. Criteria: ACMG Guidelines, 2015. Collection method: clinical testing. Allele origin: unknown. Affected: yes.
Comment: This variant was determined to be of uncertain significance according to ACMG Guidelines, 2015 [PMID:25741868].

PreventionGenetics, part of Exact Sciences
Classification: Likely benign for CCT5-related condition. Last evaluated: 2019-04-30. Review status: no assertion criteria provided. Collection method: clinical testing. Allele origin: germline. Not counted in ClinVar's aggregate classification.
Comment: This variant is classified as likely benign based on ACMG/AMP sequence variant interpretation guidelines (Richards et al. 2015 PMID: 25741868, with internal and published modifications).